The following is an entry in ClinVar:

ClinVar aggregate classification (germline): Likely benign. Review status: criteria provided, multiple submitters, no conflicts (2 of 4 stars). 2 submissions from 2 submitters: Likely benign (2). Last evaluated 2025-04-01.

Conditions:
Norman-Roberts syndrome (LIS2). Also called: Lissencephaly 2 (Norman-Roberts type). Identifiers: Orphanet 89844, MedGen C0796089, MONDO:0009760, OMIM 257320.
Familial temporal lobe epilepsy 7. Identifiers: Orphanet 101046, MedGen C4225327, MONDO:0014639, OMIM 616436.

Allele frequency attached by ClinVar (database versions not stated): TOPMed below 0.00001; gnomAD 0.00001; gnomAD exomes 0.00002; ExAC 0.00003.
gnomAD v4.1: 26 of 1,610,042 alleles (0.0016%); highest among the groups gnomAD compares: East Asian, 0.0022%; no homozygotes.

Submissions (2):

CeGaT Center for Human Genetics Tuebingen
Classification: Likely benign. Last evaluated: 2025-04-01. Review status: criteria provided, single submitter. Criteria: CeGaT Center For Human Genetics Tuebingen Variant Classification Criteria Version 2. Collection method: clinical testing. Allele origin: germline. Affected: yes. Observed: 1 variant allele.
Comment: RELN: BP4, BP7

Labcorp Genetics (formerly Invitae), Labcorp
Classification: Likely benign for Familial temporal lobe epilepsy 7; Norman-Roberts syndrome. Last evaluated: 2024-06-04. Review status: criteria provided, single submitter. Criteria: Invitae Variant Classification Sherloc (09022015). Collection method: clinical testing. Allele origin: germline.

NM_005045.4(RELN):c.876G>A (p.Ala292=)

Gene: RELN (reelin; minus strand). Cytogenetic location: 7q22.1.
Variant type: single nucleotide variant.
Coding change: c.876G>A on transcript NM_005045.4 (MANE Select); coding-DNA position 876, G replaced by A.
Protein change: p.Ala292=; no amino-acid change (alanine 292 retained).
Molecular consequence: synonymous variant.
Genome position (GRCh38, 1-based): chr7:103,700,936, C>T on the plus strand (G>A on the coding strand, the complement: RELN is on the minus strand). VCF-style: chr7-103700936-C-T. GRCh37 (hg19) VCF-style: chr7-103341383-C-T.
Other names: c.876G>A, p.Ala292= (NM_173054.3).
Identifiers: ClinVar variation 969800 (VCV000969800.16), dbSNP rs757968034, ClinGen allele CA4422425.